The following is an entry in ClinVar:

NM_032193.4(RNASEH2C):c.349G>C (p.Asp117His)

Gene: RNASEH2C (ribonuclease H2 subunit C; minus strand). Cytogenetic location: 11q13.1.
Variant type: single nucleotide variant.
Coding change: c.349G>C on transcript NM_032193.4 (MANE Select); coding-DNA position 349, G replaced by C.
Protein change: p.Asp117His; replaces aspartic acid 117 with histidine.
Molecular consequence: missense variant.
Genome position (GRCh38, 1-based): chr11:65,720,164, C>G on the plus strand (G>C on the coding strand, the complement: RNASEH2C is on the minus strand). VCF-style: chr11-65720164-C-G. GRCh37 (hg19) VCF-style: chr11-65487635-C-G.
Other names: short protein forms D117H.
Identifiers: ClinVar variation 1976403 (VCV001976403.3), dbSNP rs768923856, ClinGen allele CA381298362.

ClinVar aggregate classification (germline): Uncertain significance. Review status: criteria provided, multiple submitters, no conflicts (2 of 4 stars). 2 submissions from 2 submitters: Uncertain significance (2). Last evaluated 2024-03-19.

Conditions:
Aicardi-Goutieres syndrome 3. Identifiers: Orphanet 51, MedGen C1835916, MONDO:0012471, OMIM 610329.
Inborn genetic diseases. Identifiers: MedGen C0950123, MeSH D030342.

Allele frequency attached by ClinVar (database versions not stated): TOPMed 0.00001.
gnomAD v4.1: 1 of 1,614,256 alleles (0.000062%); highest among the groups gnomAD compares: Non-Finnish European, 0.000085%; no homozygotes.

Submissions (2):

Ambry Genetics
Classification: Uncertain significance for Inborn genetic diseases. Last evaluated: 2024-03-19. Review status: criteria provided, single submitter. Criteria: Ambry Variant Classification Scheme 2023. Collection method: clinical testing. Allele origin: germline.

Labcorp Genetics (formerly Invitae), Labcorp
Classification: Uncertain significance for Aicardi-Goutieres syndrome 3. Last evaluated: 2022-03-23. Review status: criteria provided, single submitter. Criteria: Invitae Variant Classification Sherloc (09022015). Collection method: clinical testing. Allele origin: germline.
Comment: This sequence change replaces aspartic acid, which is acidic and polar, with histidine, which is basic and polar, at codon 117 of the RNASEH2C protein (p.Asp117His). This variant is not present in population databases (gnomAD no frequency). This variant has not been reported in the literature in individuals affected with RNASEH2C-related conditions. Algorithms developed to predict the effect of missense changes on protein structure and function are either unavailable or do not agree on the potential impact of this missense change (SIFT: "Deleterious"; PolyPhen-2: "Probably Damaging"; Align-GVGD: "Class C0"). In summary, the available evidence is currently insufficient to determine the role of this variant in disease. Therefore, it has been classified as a Variant of Uncertain Significance.